The following is an entry in ClinVar:

ClinVar aggregate classification (germline): Benign/Likely benign. Review status: criteria provided, multiple submitters, no conflicts (2 of 4 stars). 13 submissions from 13 submitters: Benign (7); Likely benign (3). 3 of the submissions do not count toward it. Last evaluated 2026-02-03.

Conditions:
Inborn genetic diseases. Identifiers: MedGen C0950123, MeSH D030342.
Cortical dysplasia-focal epilepsy syndrome (PTHSL1). Also called: Pitt-Hopkins-like syndrome 1. Identifiers: Orphanet 163681, Orphanet 221150, MedGen C2750246, MONDO:0012400, OMIM 610042.

Allele frequency attached by ClinVar (database versions not stated): 1000 Genomes Project 0.00539; 1000 Genomes Project 30x 0.00547; TOPMed 0.00551; gnomAD 0.00609 and 0.00622; gnomAD exomes 0.00791 and 0.00907; ExAC 0.00857; ESP Exome Variant Server 0.00861.
gnomAD v4.1: 14,151 of 1,614,160 alleles (0.88%); highest among the groups gnomAD compares: South Asian, 1.7%; 93 homozygotes.

Submissions (13):

Labcorp Genetics (formerly Invitae), Labcorp
Classification: Benign for Cortical dysplasia-focal epilepsy syndrome. Last evaluated: 2026-02-03. Review status: criteria provided, single submitter. Criteria: Invitae Variant Classification Sherloc (09022015). Collection method: clinical testing. Allele origin: germline.

Athena Diagnostics
Classification: Benign. Last evaluated: 2024-12-06. Review status: criteria provided, single submitter. Criteria: Athena Diagnostics Criteria. Collection method: clinical testing. Allele origin: unknown.
Comment: The frequency of this variant in the general population is higher than would generally be expected for pathogenic variants in this gene. Computational tools yielded predictions that this variant is unlikely to have an effect on normal RNA splicing. This nucleotide position exhibits low evolutionary conservation.

Blueprint Genetics
Classification: Likely benign. Last evaluated: 2024-11-27. Review status: criteria provided, single submitter. Criteria: ACMG Guidelines, 2015. Collection method: clinical testing. Allele origin: germline.

Mayo Clinic Laboratories, Mayo Clinic
Classification: Benign. Last evaluated: 2018-08-16. Review status: criteria provided, single submitter. Criteria: ACMG Guidelines, 2015. Collection method: clinical testing. Allele origin: germline. Observed: 12 variant alleles.

Illumina Laboratory Services, Illumina
Classification: Benign for Cortical dysplasia-focal epilepsy syndrome. Last evaluated: 2018-01-13. Review status: criteria provided, single submitter. Criteria: ICSL Variant Classification Criteria 13 December 2019. Collection method: clinical testing. Allele origin: germline.
Comment: This variant was observed in the ICSL laboratory as part of a predisposition screen in an ostensibly healthy population. It had not been previously curated by ICSL or reported in the Human Gene Mutation Database (HGMD: prior to June 1st, 2018), and was therefore a candidate for classification through an automated scoring system. Utilizing variant allele frequency, disease prevalence and penetrance estimates, and inheritance mode, an automated score was calculated to assess if this variant is too frequent to cause the disease. Based on the score and internal cut-off values, a variant classified as benign is not then subjected to further curation. The score for this variant resulted in a classification of benign for this disease.

Ambry Genetics
Classification: Likely benign for Inborn genetic diseases. Last evaluated: 2016-06-02. Review status: criteria provided, single submitter. Criteria: Ambry Variant Classification Scheme 2023. Collection method: clinical testing. Allele origin: germline.

Eurofins Ntd Llc (ga)
Classification: Benign. Last evaluated: 2012-12-05. Review status: criteria provided, single submitter. Criteria: EGL Classification Definitions 2015. Collection method: clinical testing. Allele origin: germline. Observed: 1 variant allele, 1 heterozygote.

GeneDx
Classification: Benign. Last evaluated: 2012-04-09. Review status: criteria provided, single submitter. Criteria: GeneDx Variant Classification (06012015). Collection method: clinical testing. Allele origin: germline. Affected: yes.
Comment: This variant is considered likely benign or benign based on one or more of the following criteria: it is a conservative change, it occurs at a poorly conserved position in the protein, it is predicted to be benign by multiple in silico algorithms, and/or has population frequency not consistent with disease.

Breakthrough Genomics
Classification: Likely benign. Review status: criteria provided, single submitter. Criteria: ACMG Guidelines, 2015. Collection method: not provided. Allele origin: germline. Inheritance: Autosomal recessive inheritance. Affected: yes.

PreventionGenetics, part of Exact Sciences
Classification: Benign. Review status: criteria provided, single submitter. Criteria: ACMG Guidelines, 2015. Collection method: clinical testing. Allele origin: germline.

Clinical Genetics DNA and cytogenetics Diagnostics Lab, Erasmus MC, Erasmus Medical Center
Classification: Likely benign. Review status: no assertion criteria provided. Collection method: clinical testing. Allele origin: germline. Affected: yes. Study: VKGL Data-share Consensus. Not counted in ClinVar's aggregate classification.

Diagnostic Laboratory, Department of Genetics, University Medical Center Groningen
Classification: Benign. Review status: no assertion criteria provided. Collection method: clinical testing. Allele origin: germline. Affected: yes. Study: VKGL Data-share Consensus. Not counted in ClinVar's aggregate classification.

Genome Diagnostics Laboratory, University Medical Center Utrecht
Classification: Benign. Review status: no assertion criteria provided. Collection method: clinical testing. Allele origin: germline. Affected: yes. Study: VKGL Data-share Consensus. Not counted in ClinVar's aggregate classification.

NM_014141.6(CNTNAP2):c.3633G>A (p.Glu1211=)

Gene: CNTNAP2 (contactin associated protein 2; plus strand). Cytogenetic location: 7q36.1.
Variant type: single nucleotide variant.
Coding change: c.3633G>A on transcript NM_014141.6 (MANE Select); coding-DNA position 3633, G replaced by A.
Protein change: p.Glu1211=; no amino-acid change (glutamic acid 1211 retained).
Molecular consequence: synonymous variant.
Genome position (GRCh38, 1-based): chr7:148,383,806, G>A. VCF-style: chr7-148383806-G-A. GRCh37 (hg19) VCF-style: chr7-148080898-G-A.
Other names: p.E1211E:GAG>GAA; p.Glu1211=.
Identifiers: ClinVar variation 95570 (VCV000095570.35), dbSNP rs138477292, ClinGen allele CA285686.